The following is an entry in ClinVar:

NM_001378609.3(OTOGL):c.3809C>A (p.Ala1270Glu)

Gene: OTOGL (otogelin like; plus strand). Cytogenetic location: 12q21.31.
Variant type: single nucleotide variant.
Coding change: c.3809C>A on transcript NM_001378609.3 (MANE Select); coding-DNA position 3809, C replaced by A.
Protein change: p.Ala1270Glu; replaces alanine 1270 with glutamic acid.
Molecular consequence: missense variant.
Genome position (GRCh38, 1-based): chr12:80,320,428, C>A. VCF-style: chr12-80320428-C-A. GRCh37 (hg19) VCF-style: chr12-80714208-C-A.
Other names: c.3674C>A, p.Ala1225Glu (NM_001368062.3); c.3809C>A, p.Ala1270Glu (NM_001378610.3, NM_173591.7); short protein forms A1225E, A1270E.
Identifiers: ClinVar variation 2488472 (VCV002488472.3), dbSNP rs1426614781, ClinGen allele CA385869295.

ClinVar aggregate classification (germline): Uncertain significance. Review status: criteria provided, multiple submitters, no conflicts (2 of 4 stars). 2 submissions from 2 submitters: Uncertain significance (2). Last evaluated 2024-07-26.

Conditions:
Inborn genetic diseases. Identifiers: MedGen C0950123, MeSH D030342.

Allele frequency attached by ClinVar (database versions not stated): TOPMed 0.00003.
gnomAD v4.1: 8 of 1,611,160 alleles (0.0005%); highest among the groups gnomAD compares: Admixed American, 0.013%; no homozygotes.

Submissions (2):

GeneDx
Classification: Uncertain significance. Last evaluated: 2024-07-26. Review status: criteria provided, single submitter. Criteria: GeneDx Variant Classification Process June 2021. Collection method: clinical testing. Allele origin: germline. Affected: yes.
Comment: In silico analysis indicates that this missense variant does not alter protein structure/function; Has not been previously published as pathogenic or benign to our knowledge

Ambry Genetics
Classification: Uncertain significance for Inborn genetic diseases. Last evaluated: 2023-02-23. Review status: criteria provided, single submitter. Criteria: Ambry Variant Classification Scheme 2023. Collection method: clinical testing. Allele origin: germline.